The following is an entry in ClinVar:

ClinVar aggregate classification (germline): Uncertain significance (1 of 4 stars; one submission).

Conditions:
Retinoblastoma (RB1). Also called: RETINOBLASTOMA, SOMATIC. Identifiers: Orphanet 790, MedGen C0035335, MeSH D012175, MONDO:0008380, OMIM 180200, HP:0009919. Disease mechanism: loss of function. Inheritance: Both sporadic and heritable forms are tested..

Allele frequency attached by ClinVar (database versions not stated): TOPMed 0.00001; gnomAD 0.00001.
gnomAD v4.1: 11 of 1,169,526 alleles (0.00094%); highest among the groups gnomAD compares: Non-Finnish European, 0.0013%; no homozygotes.

Submission:

Labcorp Genetics (formerly Invitae), Labcorp
Classification: Uncertain significance for Retinoblastoma. Last evaluated: 2025-12-19. Review status: criteria provided, single submitter. Criteria: Invitae Variant Classification Sherloc (09022015). Collection method: clinical testing. Allele origin: germline.
Comment: This variant occurs in a non-coding region of the RB1 gene. It does not change the encoded amino acid sequence of the RB1 protein. This variant is not present in population databases (gnomAD no frequency). This variant has not been reported in the literature in individuals affected with RB1-related conditions. ClinVar contains an entry for this variant (Variation ID: 2734315). In summary, the available evidence is currently insufficient to determine the role of this variant in disease. Therefore, it has been classified as a Variant of Uncertain Significance.

NM_000321.3(RB1):c.-160T>C

Gene: RB1 (RB transcriptional corepressor 1; plus strand). Cytogenetic location: 13q14.2.
Variant type: single nucleotide variant.
Coding change: c.-160T>C on transcript NM_000321.3 (MANE Select); 160 bases upstream of the start codon, T replaced by C.
Molecular consequence: 5 prime UTR variant.
Genome position (GRCh38, 1-based): chr13:48,303,753, T>C. VCF-style: chr13-48303753-T-C. GRCh37 (hg19) VCF-style: chr13-48877889-T-C.
Other names: c.-160T>C (NM_001407165.1, NM_001407166.1, NM_001407167.1).
Identifiers: ClinVar variation 2734315 (VCV002734315.3), dbSNP rs1034797836, ClinGen allele CA249842002.